The following is an entry in ClinVar:

ClinVar aggregate classification (germline): Uncertain significance (1 of 4 stars; one submission).

Conditions:
Inborn genetic diseases. Identifiers: MedGen C0950123, MeSH D030342.

Submission:

Ambry Genetics
Classification: Uncertain significance for Inborn genetic diseases. Last evaluated: 2026-08-15. Review status: criteria provided, single submitter. Criteria: Ambry Variant Classification Scheme 2023. Collection method: clinical testing. Allele origin: germline.
Comment: The p.A1273S variant (also known as c.3817G>T), located in coding exon 26 of the ANKRD26 gene, results from a G to T substitution at nucleotide position 3817. The alanine at codon 1273 is replaced by serine, an amino acid with similar properties. This amino acid position is conserved. In addition, this alteration is predicted to be tolerated by in silico analysis. Based on the available evidence, the clinical significance of this variant remains unclear.

NM_014915.3(ANKRD26):c.3817G>T (p.Ala1273Ser)

Gene: ANKRD26 (ankyrin repeat domain 26; minus strand). Cytogenetic location: 10p12.1.
Variant type: single nucleotide variant.
Coding change: c.3817G>T on transcript NM_014915.3 (MANE Select); coding-DNA position 3817, G replaced by T.
Protein change: p.Ala1273Ser; replaces alanine 1273 with serine.
Molecular consequence: missense variant.
Genome position (GRCh38, 1-based): chr10:27,029,347, C>A on the plus strand (G>T on the coding strand, the complement: ANKRD26 is on the minus strand). VCF-style: chr10-27029347-C-A. GRCh37 (hg19) VCF-style: chr10-27318276-C-A.
Other names: c.3814G>T, p.Ala1272Ser (NM_001256053.2); short protein forms A1272S, A1273S.
Identifiers: ClinVar variation 5023538 (VCV005023538.1).
Genomic context (GRCh38, chr10:27,029,347, plus strand): 5'-TTTGCTTGTGATCTTGCATCTTCTCAGCACATCTGACAGCTTCTGTATGTCGATCCTGTG[C>A]TTCTTGCAACTAAAACAAAGAATAAAAAAAACCCACTTTACTAATAATCTAGTACACATC-3'
Protein context (NP_055730.2, residues 1263-1283): LGQIRNQLQE[Ala1273Ser]QDRHTEAVRC